The following is an entry in ClinVar:

NM_032242.4(PLXNA1):c.5381A>T (p.Asp1794Val)

Gene: PLXNA1 (plexin A1; plus strand). Cytogenetic location: 3q21.3.
Variant type: single nucleotide variant.
Coding change: c.5381A>T on transcript NM_032242.4 (MANE Select); coding-DNA position 5381, A replaced by T.
Protein change: p.Asp1794Val; replaces aspartic acid 1794 with valine.
Molecular consequence: missense variant.
Genome position (GRCh38, 1-based): chr3:127,032,536, A>T. VCF-style: chr3-127032536-A-T. GRCh37 (hg19) VCF-style: chr3-126751379-A-T.
Other names: short protein forms D1794V.
Identifiers: ClinVar variation 3421117 (VCV003421117.2).

ClinVar aggregate classification (germline): Uncertain significance. Review status: criteria provided, multiple submitters, no conflicts (2 of 4 stars). 2 submissions from 2 submitters: Uncertain significance (2). Last evaluated 2026-06-30.

Conditions:
PLXNA1-related disorder. Also called: PLXNA1-related condition.

gnomAD v4.1: 4 of 1,613,594 alleles (0.00025%); highest among the groups gnomAD compares: Non-Finnish European, 0.00034%; no homozygotes.

Submissions (2):

PreventionGenetics, part of Exact Sciences
Classification: Uncertain significance for PLXNA1-related condition. Last evaluated: 2026-06-30. Review status: criteria provided, single submitter. Criteria: ACMG Guidelines, 2015. Collection method: clinical testing. Allele origin: germline.
Comment: The PLXNA1 c.5381A>T variant is predicted to result in the amino acid substitution p.Asp1794Val. To our knowledge, this variant has not been reported in the literature. This variant is reported in 0.013% of alleles in individuals of European (Non-Finnish) descent in gnomAD. At this time, the clinical significance of this variant is uncertain due to the absence of conclusive functional and genetic evidence.

Ambry Genetics
Classification: Uncertain significance. Last evaluated: 2024-09-02. Review status: criteria provided, single submitter. Criteria: Ambry Variant Classification Scheme 2023. Collection method: clinical testing. Allele origin: germline.